The following is an entry in ClinVar:

ClinVar aggregate classification (germline): Uncertain significance (1 of 4 stars; one submission).

gnomAD v4.1: 46 of 1,613,480 alleles (0.0029%); highest among the groups gnomAD compares: Non-Finnish European, 0.0036%; no homozygotes.

Submission:

Mayo Clinic Laboratories, Mayo Clinic
Classification: Uncertain significance. Last evaluated: 2025-09-19. Review status: criteria provided, single submitter. Criteria: ACMG Guidelines, 2015. Collection method: clinical testing. Allele origin: germline. Observed: 1 variant allele.
Comment: BP4_moderate

NM_004795.4(KL):c.1293G>A (p.Met431Ile)

Gene: KL (klotho; plus strand). Cytogenetic location: 13q13.1.
Variant type: single nucleotide variant.
Coding change: c.1293G>A on transcript NM_004795.4 (MANE Select); coding-DNA position 1293, G replaced by A.
Protein change: p.Met431Ile; replaces methionine 431 with isoleucine.
Molecular consequence: missense variant.
Genome position (GRCh38, 1-based): chr13:33,054,240, G>A. VCF-style: chr13-33054240-G-A. GRCh37 (hg19) VCF-style: chr13-33628377-G-A.
Other names: p.Met431Ile; short protein forms M431I.
Identifiers: ClinVar variation 4541771 (VCV004541771.1).